The following is an entry in ClinVar:

ClinVar aggregate classification (germline): Uncertain significance (1 of 4 stars; one submission).

Conditions:
Myofibrillar myopathy 5. Also called: Filaminopathy (type); FILAMINOPATHY, AUTOSOMAL DOMINANT. Identifiers: Orphanet 171445, MedGen C1836050, MONDO:0012289, OMIM 609524.
Hypertrophic cardiomyopathy 26. Also called: Cardiomyopathy, familial hypertrophic, 26. Identifiers: Orphanet 75249, MedGen C4310749, MONDO:0014883, OMIM 617047.
Distal myopathy with posterior leg and anterior hand involvement. Also called: WILLIAMS DISTAL MYOPATHY. Identifiers: Orphanet 63273, MedGen C3279722, MONDO:0013550, OMIM 614065.

Submission:

Labcorp Genetics (formerly Invitae), Labcorp
Classification: Uncertain significance for Distal myopathy with posterior leg and anterior hand involvement; Myofibrillar myopathy 5; Hypertrophic cardiomyopathy 26. Last evaluated: 2020-11-06. Review status: criteria provided, single submitter. Criteria: Invitae Variant Classification Sherloc (09022015). Collection method: clinical testing. Allele origin: germline.
Comment: In summary, the available evidence is currently insufficient to determine the role of this variant in disease. Therefore, it has been classified as a Variant of Uncertain Significance. Algorithms developed to predict the effect of missense changes on protein structure and function are either unavailable or do not agree on the potential impact of this missense change (SIFT: "Deleterious"; PolyPhen-2: "Probably Damaging"; Align-GVGD: "Class C0"). This variant has not been reported in the literature in individuals with FLNC-related conditions. This variant is not present in population databases (ExAC no frequency). This sequence change replaces cysteine with phenylalanine at codon 1180 of the FLNC protein (p.Cys1180Phe). The cysteine residue is moderately conserved and there is a large physicochemical difference between cysteine and phenylalanine.

NM_001458.5(FLNC):c.3539G>T (p.Cys1180Phe)

Gene: FLNC (filamin C; plus strand). Cytogenetic location: 7q32.1.
Variant type: single nucleotide variant.
Coding change: c.3539G>T on transcript NM_001458.5 (MANE Select); coding-DNA position 3539, G replaced by T.
Protein change: p.Cys1180Phe; replaces cysteine 1180 with phenylalanine.
Molecular consequence: missense variant.
Genome position (GRCh38, 1-based): chr7:128,845,004, G>T. VCF-style: chr7-128845004-G-T. GRCh37 (hg19) VCF-style: chr7-128485058-G-T.
Other names: c.3539G>T, p.Cys1180Phe (NM_001127487.2); short protein forms C1180F.
Identifiers: ClinVar variation 935075 (VCV000935075.10), dbSNP rs1319931619, ClinGen allele CA369197192.